The following is an entry in ClinVar:

ClinVar aggregate classification (germline): Uncertain significance. Review status: criteria provided, multiple submitters, no conflicts (2 of 4 stars). 4 submissions from 4 submitters: Uncertain significance (4). Last evaluated 2025-06-30.

Conditions:
Hereditary pheochromocytoma and paraganglioma. Also called: Hereditary pheochromocytoma-paraganglioma; Hereditary paragangliomas and pheochromocytomas; Hereditary Paraganglioma-Pheochromocytoma Syndromes. Identifiers: Orphanet 29072, MedGen C4274332, MONDO:0017366.
Hereditary cancer-predisposing syndrome. Also called: Neoplastic Syndromes, Hereditary; Tumor predisposition; Hereditary Cancer Syndrome; Hereditary neoplastic syndrome. Identifiers: Orphanet 140162, MedGen C0027672, MeSH D009386, MONDO:0015356.

Allele frequency attached by ClinVar (database versions not stated): gnomAD exomes below 0.00001.
gnomAD v4.1: 1 of 1,614,158 alleles (0.000062%); highest among the groups gnomAD compares: African/African-American, 0.0013%; no homozygotes.

Submissions (4):

Color Diagnostics, LLC DBA Color Health
Classification: Uncertain significance for Hereditary pheochromocytoma and paraganglioma. Last evaluated: 2025-06-30. Review status: criteria provided, single submitter. Criteria: ACMG Guidelines, 2015. Collection method: clinical testing. Allele origin: germline.
Comment: This missense variant replaces asparagine with lysine at codon 148 of the SDHAF2 protein. Computational prediction suggests that this variant may not impact protein structure and function. To our knowledge, functional studies have not been reported for this variant. This variant has not been reported in individuals affected with SDHAF2-related disorders in the literature. This variant has been identified in 1/251476 chromosomes in the general population by the Genome Aggregation Database (gnomAD). The available evidence is insufficient to determine the role of this variant in disease conclusively. Therefore, this variant is classified as a Variant of Uncertain Significance.

GeneDx
Classification: Uncertain significance. Last evaluated: 2025-03-10. Review status: criteria provided, single submitter. Criteria: GeneDx Variant Classification Process June 2021. Collection method: clinical testing. Allele origin: germline. Affected: yes.
Comment: Not observed at significant frequency in large population cohorts (gnomAD); In silico analysis supports that this missense variant has a deleterious effect on protein structure/function; Has not been previously published as pathogenic or benign to our knowledge

Labcorp Genetics (formerly Invitae), Labcorp
Classification: Uncertain significance for Hereditary pheochromocytoma and paraganglioma. Last evaluated: 2024-01-12. Review status: criteria provided, single submitter. Criteria: Invitae Variant Classification Sherloc (09022015). Collection method: clinical testing. Allele origin: germline.
Comment: This sequence change replaces asparagine, which is neutral and polar, with lysine, which is basic and polar, at codon 148 of the SDHAF2 protein (p.Asn148Lys). This variant is present in population databases (no rsID available, gnomAD 0.007%). This variant has not been reported in the literature in individuals affected with SDHAF2-related conditions. ClinVar contains an entry for this variant (Variation ID: 1740669). An algorithm developed to predict the effect of missense changes on protein structure and function (PolyPhen-2) suggests that this variant is likely to be tolerated. In summary, the available evidence is currently insufficient to determine the role of this variant in disease. Therefore, it has been classified as a Variant of Uncertain Significance.

Ambry Genetics
Classification: Uncertain significance for Hereditary cancer-predisposing syndrome. Last evaluated: 2022-04-21. Review status: criteria provided, single submitter. Criteria: Ambry Variant Classification Scheme 2023. Collection method: clinical testing. Allele origin: germline.
Comment: The p.N148K variant (also known as c.444C>A), located in coding exon 4 of the SDHAF2 gene, results from a C to A substitution at nucleotide position 444. The asparagine at codon 148 is replaced by lysine, an amino acid with similar properties. This amino acid position is conserved. In addition, this alteration is predicted to be tolerated by in silico analysis. Since supporting evidence is limited at this time, the clinical significance of this alteration remains unclear.

NM_017841.4(SDHAF2):c.444C>A (p.Asn148Lys)

Gene: SDHAF2 (succinate dehydrogenase complex assembly factor 2; plus strand). Cytogenetic location: 11q12.2.
Variant type: single nucleotide variant.
Coding change: c.444C>A on transcript NM_017841.4 (MANE Select); coding-DNA position 444, C replaced by A.
Protein change: p.Asn148Lys; replaces asparagine 148 with lysine.
Molecular consequence: missense variant.
Genome position (GRCh38, 1-based): chr11:61,446,014, C>A. VCF-style: chr11-61446014-C-A. GRCh37 (hg19) VCF-style: chr11-61213486-C-A.
Other names: short protein forms N148K.
Identifiers: ClinVar variation 1740669 (VCV001740669.8), dbSNP rs1565130870, ClinGen allele CA380685409.